The following is an entry in ClinVar:

ClinVar aggregate classification (germline): Uncertain significance (1 of 4 stars; one submission).

Conditions:
Combined immunodeficiency due to LRBA deficiency. Also called: Common variable immunodeficiency 8, with autoimmunity. Identifiers: Orphanet 445018, MedGen C3553512, MONDO:0013863, OMIM 614700.

Allele frequency attached by ClinVar (database versions not stated): gnomAD 0.00001; TOPMed 0.00001.
gnomAD v4.1: 2 of 1,613,594 alleles (0.00012%); highest among the groups gnomAD compares: African/African-American, 0.0013%; no homozygotes.

Submission:

Labcorp Genetics (formerly Invitae), Labcorp
Classification: Uncertain significance for Combined immunodeficiency due to LRBA deficiency. Last evaluated: 2022-07-26. Review status: criteria provided, single submitter. Criteria: Invitae Variant Classification Sherloc (09022015). Collection method: clinical testing. Allele origin: germline.
Comment: This sequence change replaces lysine, which is basic and polar, with glutamic acid, which is acidic and polar, at codon 2398 of the LRBA protein (p.Lys2398Glu). In summary, the available evidence is currently insufficient to determine the role of this variant in disease. Therefore, it has been classified as a Variant of Uncertain Significance. Algorithms developed to predict the effect of missense changes on protein structure and function are either unavailable or do not agree on the potential impact of this missense change (SIFT: "Tolerated"; PolyPhen-2: "Probably Damaging"; Align-GVGD: "Class C0"). ClinVar contains an entry for this variant (Variation ID: 1476801). This variant has not been reported in the literature in individuals affected with LRBA-related conditions. This variant is not present in population databases (gnomAD no frequency).

NM_001364905.1(LRBA):c.7159A>G (p.Lys2387Glu)

Gene: LRBA (LPS responsive beige-like anchor protein; minus strand). Cytogenetic location: 4q31.3.
Variant type: single nucleotide variant.
Coding change: c.7159A>G on transcript NM_001364905.1 (MANE Select); coding-DNA position 7159, A replaced by G.
Protein change: p.Lys2387Glu; replaces lysine 2387 with glutamic acid.
Molecular consequence: missense variant.
Genome position (GRCh38, 1-based): chr4:150,415,473, T>C on the plus strand (A>G on the coding strand, the complement: LRBA is on the minus strand). VCF-style: chr4-150415473-T-C. GRCh37 (hg19) VCF-style: chr4-151336625-T-C.
Other names: c.7159A>G, p.Lys2387Glu (NM_001199282.3, NM_001367550.1); c.7192A>G, p.Lys2398Glu (NM_006726.5); short protein forms K2398E, K2387E.
Identifiers: ClinVar variation 1476801 (VCV001476801.6), dbSNP rs1029332846, ClinGen allele CA108334223.